The following is an entry in ClinVar:

NM_001032283.3(TMPO):c.565+2460G>A

Gene: TMPO (thymopoietin; plus strand). Cytogenetic location: 12q23.1.
Variant type: single nucleotide variant.
Coding change: c.565+2460G>A on transcript NM_001032283.3 (MANE Select); 2460 bases into the intron after coding-DNA position 565, G replaced by A.
Molecular consequence: intron variant. On other transcripts: missense variant (1).
Genome position (GRCh38, 1-based): chr12:98,534,298, G>A. VCF-style: chr12-98534298-G-A. GRCh37 (hg19) VCF-style: chr12-98928076-G-A.
Other names: c.2041G>A, p.Gly681Arg (NM_003276.2); c.565+2460G>A (NM_001307975.2, NM_001032284.3); short protein forms G681R.
Identifiers: ClinVar variation 2009655 (VCV002009655.4), dbSNP rs2548505338, ClinGen allele CA386154481.

ClinVar aggregate classification (germline): Uncertain significance (1 of 4 stars; one submission).

Conditions:
Loeys-Dietz syndrome 2 (LDS2). Also called: AORTIC ANEURYSM, FAMILIAL THORACIC 3; MARFAN SYNDROME, TYPE II; Marfan Syndrome type 2; Marfan like connective tissue disorder; MFS 2; TGFBR2-Related Loeys-Dietz Syndrome. Identifiers: Orphanet 284973, Orphanet 558, MedGen C2674574, MONDO:0012427, OMIM 610168.

Submission:

Labcorp Genetics (formerly Invitae), Labcorp
Classification: Uncertain significance for Loeys-Dietz syndrome 2. Last evaluated: 2022-06-23. Review status: criteria provided, single submitter. Criteria: Invitae Variant Classification Sherloc (09022015). Collection method: clinical testing. Allele origin: germline.
Comment: This variant is not present in population databases (gnomAD no frequency). This sequence change replaces glycine, which is neutral and non-polar, with arginine, which is basic and polar, at codon 681 of the TMPO protein (p.Gly681Arg). In summary, the available evidence is currently insufficient to determine the role of this variant in disease. Therefore, it has been classified as a Variant of Uncertain Significance. Algorithms developed to predict the effect of missense changes on protein structure and function output the following: SIFT: "Tolerated"; PolyPhen-2: "Benign"; Align-GVGD: "Class C0". The arginine amino acid residue is found in multiple mammalian species, which suggests that this missense change does not adversely affect protein function. This variant has not been reported in the literature in individuals affected with TMPO-related conditions.